The following is an entry in ClinVar:

NM_015602.4(TOR1AIP1):c.81G>C (p.Glu27Asp)

Genes: TOR1AIP1 (torsin 1A interacting protein 1; plus strand), LOC112577517 (Sharpr-MPRA regulatory region 13766; plus strand). Cytogenetic location: 1q25.2.
Variant type: single nucleotide variant.
Coding change: c.81G>C on transcript NM_015602.4 (MANE Select); coding-DNA position 81, G replaced by C.
Protein change: p.Glu27Asp; replaces glutamic acid 27 with aspartic acid.
Molecular consequence: missense variant.
Genome position (GRCh38, 1-based): chr1:179,882,583, G>C. VCF-style: chr1-179882583-G-C. GRCh37 (hg19) VCF-style: chr1-179851718-G-C.
Other names: c.81G>C, p.Glu27Asp (NM_001267578.2); short protein forms E27D.
Identifiers: ClinVar variation 1972351 (VCV001972351.5), dbSNP rs755857967, ClinGen allele CA1268642.

ClinVar aggregate classification (germline): Uncertain significance (1 of 4 stars; one submission).

Conditions:
Autosomal recessive limb-girdle muscular dystrophy type 2Y (MRRSDC). Also called: Muscular dystrophy, limb-girdle, type 2y; Muscular dystrophy, autosomal recessive, with rigid spine and distal joint contractures. Identifiers: Orphanet 424261, MedGen C4511482, MONDO:0014900, OMIM 617072.

Allele frequency attached by ClinVar (database versions not stated): TOPMed 0.00002.
gnomAD v4.1: 3 of 1,521,428 alleles (0.0002%); highest among the groups gnomAD compares: African/African-American, 0.0028%; no homozygotes.

Submission:

Labcorp Genetics (formerly Invitae), Labcorp
Classification: Uncertain significance for Autosomal recessive limb-girdle muscular dystrophy type 2Y. Last evaluated: 2022-07-06. Review status: criteria provided, single submitter. Criteria: Invitae Variant Classification Sherloc (09022015). Collection method: clinical testing. Allele origin: germline.
Comment: In summary, the available evidence is currently insufficient to determine the role of this variant in disease. Therefore, it has been classified as a Variant of Uncertain Significance. Algorithms developed to predict the effect of missense changes on protein structure and function are either unavailable or do not agree on the potential impact of this missense change (SIFT: "Tolerated"; PolyPhen-2: "Probably Damaging"; Align-GVGD: "Class C0"). This variant has not been reported in the literature in individuals affected with TOR1AIP1-related conditions. This variant is present in population databases (rs755857967, gnomAD 0.008%). This sequence change replaces glutamic acid, which is acidic and polar, with aspartic acid, which is acidic and polar, at codon 27 of the TOR1AIP1 protein (p.Glu27Asp).